The following is an entry in ClinVar:

ClinVar aggregate classification (germline): Uncertain significance (1 of 4 stars; one submission).

Conditions:
Familial adenomatous polyposis 1 (FAP1). Also called: FAMILIAL ADENOMATOUS POLYPOSIS 1, ATTENUATED; POLYPOSIS, ADENOMATOUS INTESTINAL. Identifiers: MedGen C2713442, MONDO:0021056, OMIM 175100. Disease mechanism: loss of function.

Submission:

Labcorp Genetics (formerly Invitae), Labcorp
Classification: Uncertain significance for Familial adenomatous polyposis 1. Last evaluated: 2023-07-17. Review status: criteria provided, single submitter. Criteria: Invitae Variant Classification Sherloc (09022015). Collection method: clinical testing. Allele origin: germline.
Comment: In summary, the available evidence is currently insufficient to determine the role of this variant in disease. Therefore, it has been classified as a Variant of Uncertain Significance. Experimental studies and prediction algorithms are not available or were not evaluated, and the functional significance of this variant is currently unknown. This variant has not been reported in the literature in individuals affected with APC-related conditions. This variant is not present in population databases (gnomAD no frequency). This variant occurs in a non-coding region of the APC gene. It does not change the encoded amino acid sequence of the APC protein.

NM_001127511.3(APC):c.86del (p.Gly29fs)

Gene: APC (APC regulator of Wnt signaling pathway; plus strand). Cytogenetic location: 5q22.2.
Variant type: Deletion.
Coding change: c.86del on transcript NM_001127511.3; coding-DNA position 86, one base deleted (G; older notation c.86delG).
Protein change: p.Gly29fs; shifts the reading frame from glycine 29.
Molecular consequence: frameshift variant. On other transcripts: 5 prime UTR variant (8), non-coding transcript variant (1), intron variant (5).
Genome position (GRCh38, 1-based): chr5:112,707,803, G deleted; the last of 2 consecutive G bases (chr5:112,707,802-112,707,803); deleting either gives the same sequence. VCF-style (leftmost placement, unchanged base first): chr5-112707801-CG-C. GRCh37 (hg19) VCF-style: chr5-112043498-CG-C.
Other names: c.-98del (NM_001354895.2, NM_001407447.1, NM_001407452.1 and 3 more transcripts); c.86del, p.Gly29fs (NM_001354897.2, NM_001354902.2, NM_001407446.1); c.-1133del (NM_001407470.1, NM_001407472.1); c.-19+154del (NM_001407448.1, NM_001407450.1, NM_001407457.1 and 1 more transcripts); c.-43+154del (NM_001407453.1); short protein forms G29fs.
Identifiers: ClinVar variation 2093937 (VCV002093937.4), dbSNP rs2531740829, ClinGen allele CA2580072333.